The following is an entry in ClinVar:

ClinVar aggregate classification (germline): Conflicting classifications of pathogenicity. Review status: criteria provided, conflicting classifications (1 of 4 stars). 2 submissions from 2 submitters: Uncertain significance (1); Likely benign (1). Last evaluated 2024-04-15.

Conditions:
Familial hypokalemia-hypomagnesemia (GTLMNS). Also called: HYPOMAGNESEMIA-HYPOKALEMIA, PRIMARY RENOTUBULAR, WITH HYPOCALCIURIA; POTASSIUM AND MAGNESIUM DEPLETION; gitelman syndrome. Identifiers: Orphanet 358, MedGen C0268450, MONDO:0009904, OMIM 263800.

Allele frequency attached by ClinVar (database versions not stated): gnomAD 0.00001; gnomAD exomes 0.00001.
gnomAD v4.1: 17 of 1,614,060 alleles (0.0011%); highest among the groups gnomAD compares: Middle Eastern, 0.049%; 1 homozygote.

Submissions (2):

Fulgent Genetics
Classification: Uncertain significance for Familial hypokalemia-hypomagnesemia. Last evaluated: 2024-04-15. Review status: criteria provided, single submitter. Criteria: ACMG Guidelines, 2015. Collection method: clinical testing. Allele origin: germline.

CeGaT Center for Human Genetics Tuebingen
Classification: Likely benign. Last evaluated: 2022-11-01. Review status: criteria provided, single submitter. Criteria: CeGaT Center For Human Genetics Tuebingen Variant Classification Criteria Version 2. Collection method: clinical testing. Allele origin: germline. Affected: yes. Observed: 1 variant allele.
Comment: SLC12A3: BP4, BP7

NM_001126108.2(SLC12A3):c.1782C>T (p.Gly594=)

Gene: SLC12A3 (solute carrier family 12 member 3; plus strand). Cytogenetic location: 16q13.
Variant type: single nucleotide variant.
Coding change: c.1782C>T on transcript NM_001126108.2 (MANE Select); coding-DNA position 1782, C replaced by T.
Protein change: p.Gly594=; no amino-acid change (glycine 594 retained).
Molecular consequence: synonymous variant.
Genome position (GRCh38, 1-based): chr16:56,884,161, C>T. VCF-style: chr16-56884161-C-T. GRCh37 (hg19) VCF-style: chr16-56918073-C-T.
Other names: c.1782C>T, p.Gly594= (NM_000339.3); c.1779C>T, p.Gly593= (NM_001126107.2, NM_001410896.1).
Identifiers: ClinVar variation 2646551 (VCV002646551.25), dbSNP rs1412751721, ClinGen allele CA495604576.